The following is an entry in ClinVar:

NM_000138.5(FBN1):c.1076G>T (p.Cys359Phe)

Genes: FBN1 (fibrillin 1; minus strand), LOC113939944 (Sharpr-MPRA regulatory region 9539; plus strand). Cytogenetic location: 15q21.1.
Variant type: single nucleotide variant.
Coding change: c.1076G>T on transcript NM_000138.5 (MANE Select); coding-DNA position 1076, G replaced by T.
Protein change: p.Cys359Phe; replaces cysteine 359 with phenylalanine.
Molecular consequence: missense variant.
Genome position (GRCh38, 1-based): chr15:48,520,730, C>A on the plus strand (G>T on the coding strand, the complement: FBN1 is on the minus strand). VCF-style: chr15-48520730-C-A. GRCh37 (hg19) VCF-style: chr15-48812927-C-A.
Other names: short protein forms C359F.
Identifiers: ClinVar variation 1076563 (VCV001076563.9), dbSNP rs1555400603, ClinGen allele CA392347533.
Genomic context (GRCh38, chr15:48,520,730, plus strand): 5'-ATGGGACACATCTCAGGGGCGACAGTGACCCCTGGAGACCAGCATCGGCCGGCATCACAG[C>A]AGCACTGCATTTTGGTTATGGACTGTGGCAGCTGGTTAGAGCAGCGCCCGTTTGTCAGAG-3'
Protein context (NP_000129.3, residues 349-369): LPQSITKMQC[Cys359Phe]CDAGRCWSPG

ClinVar aggregate classification (germline): Pathogenic (1 of 4 stars; one submission).

Conditions:
Familial thoracic aortic aneurysm and aortic dissection (TAAD). Also called: Thoracic aortic aneurysms and dissections. Identifiers: Orphanet 91387, MedGen C4707243, MONDO:0019625.
Marfan syndrome (MFS). Also called: Marfan syndrome type 1; Marfan's syndrome; Marfan syndrome, classic; MARFAN SYNDROME, TYPE I; FBN1-Related Marfan Syndrome. Identifiers: Orphanet 284963, Orphanet 558, MedGen C0024796, MONDO:0007947, OMIM 154700.

Submission:

Labcorp Genetics (formerly Invitae), Labcorp
Classification: Pathogenic for Marfan syndrome; Familial thoracic aortic aneurysm and aortic dissection. Last evaluated: 2020-08-16. Review status: criteria provided, single submitter. Criteria: Invitae Variant Classification Sherloc (09022015). Collection method: clinical testing. Allele origin: germline.
Comment: This sequence change replaces cysteine with phenylalanine at codon 359 of the FBN1 protein (p.Cys359Phe). The cysteine residue is highly conserved and there is a large physicochemical difference between cysteine and phenylalanine. This variant is not present in population databases (ExAC no frequency). This variant has been observed in individual(s) with clinical features of Marfan syndrome (Invitae). This variant affects a cysteine residue in the EGF-like, TGFBP or hybrid motif domains of FBN1. Cysteine residues are believed to be involved in intramolecular disulfide bridges and have been shown to be important for FBN1 protein structure (PMID: 16905551, 19349279). In addition, missense substitutions affecting cysteine residues within these domains are significantly overrepresented among patients with Marfan syndrome (PMID: 16571647, 17701892). This variant disrupts the p.Cys359 amino acid residue in FBN1. Other variant(s) that disrupt this residue have been observed in individuals with FBN1-related conditions (PMID: 19293843, 15241795), which suggests that this may be a clinically significant amino acid residue. For these reasons, this variant has been classified as Pathogenic.

Literature cited by the submitters: PubMed 16905551; PubMed 19349279; PubMed 16571647; PubMed 17701892; PubMed 19293843; PubMed 15241795.